The following is an entry in ClinVar:

ClinVar aggregate classification (germline): Likely pathogenic (1 of 4 stars; one submission).

Conditions:
Tay-Sachs disease (TSD). Also called: GM2 gangliosidosis, type 1; Hexosaminidase alpha-subunit deficiency (variant B); Sphingolipidosis, Tay-Sachs; Hexosaminidase A Deficiency; HEXA DEFICIENCY; HEXA Disorders. Identifiers: Orphanet 845, MedGen C0039373, MONDO:0010100, OMIM 272800.

Submission:

Labcorp Genetics (formerly Invitae), Labcorp
Classification: Likely pathogenic for Tay-Sachs disease. Last evaluated: 2016-12-02. Review status: criteria provided, single submitter. Criteria: Invitae Variant Classification Sherloc (09022015). Collection method: clinical testing. Allele origin: germline.
Comment: This variant is a gross deletion of the genomic region encompassing exons 11-13 of the HEXA gene. Additionally, this creates a premature translational stop signal in the last exon of the HEXA mRNA. While this is not anticipated to result in nonsense mediated decay, it is expected to replace the last 146 amino acids of the HEXA protein by 13 unrelated ones. This deletion results in the loss of most of domain II of the HEXA protein that is required for dimerization of the HEXA protein and the conformation of its active site and includes many pathogenic variants (PMID: 7837766, 16088929, 18490185). In summary, this sequence change is a gross deletion that is expected to result in a nonfunctional HEXA protein. However, experimental studies have not been done to prove that conclusively. For these reasons, it has been classified as Likely Pathogenic.

NC_000015.10:g.(?_72345446)_(72346710_?)del

Gene: HEXA (hexosaminidase subunit alpha; minus strand). Cytogenetic location: 15q23.
Variant type: Deletion.
Identifiers: ClinVar variation 417379 (VCV000417379.1).